The following is an entry in ClinVar:

NM_024301.5(FKRP):c.632C>G (p.Ser211Trp)

Gene: FKRP (fukutin related protein; plus strand). Cytogenetic location: 19q13.32.
Variant type: single nucleotide variant.
Coding change: c.632C>G on transcript NM_024301.5 (MANE Select); coding-DNA position 632, C replaced by G.
Protein change: p.Ser211Trp; replaces serine 211 with tryptophan.
Molecular consequence: missense variant.
Genome position (GRCh38, 1-based): chr19:46,756,082, C>G. VCF-style: chr19-46756082-C-G. GRCh37 (hg19) VCF-style: chr19-47259339-C-G.
Other names: c.632C>G, p.Ser211Trp (NM_001039885.3); short protein forms S211W.
Identifiers: ClinVar variation 2121454 (VCV002121454.3), dbSNP rs750041378, ClinGen allele CA406495704.
Genomic context (GRCh38, chr19:46,756,082, plus strand): 5'-GCGACGCCCTGGACGGAGATGCTGTGGTGCTCCTGCGCGCCCGCGACCTCTTCAACCTCT[C>G]GGCGCCCCTGGCCCGGCCGGTGGGCACCAGCCTCTTTCTGCAGACCGCCCTTCGCGGCTG-3'
Protein context (NP_077277.1, residues 201-221): LLRARDLFNL[Ser211Trp]APLARPVGTS

ClinVar aggregate classification (germline): Uncertain significance (1 of 4 stars; one submission).

Conditions:
Walker-Warburg congenital muscular dystrophy. Also called: Muscular dystrophy-dystroglycanopathy, type A; Walker-Warburg syndrome. Identifiers: Orphanet 899, MedGen C0265221, MONDO:0000171.

Submission:

Labcorp Genetics (formerly Invitae), Labcorp
Classification: Uncertain significance for Walker-Warburg congenital muscular dystrophy. Last evaluated: 2024-11-04. Review status: criteria provided, single submitter. Criteria: Invitae Variant Classification Sherloc (09022015). Collection method: clinical testing. Allele origin: germline.
Comment: This sequence change replaces serine, which is neutral and polar, with tryptophan, which is neutral and slightly polar, at codon 211 of the FKRP protein (p.Ser211Trp). This variant is not present in population databases (gnomAD no frequency). This variant has not been reported in the literature in individuals affected with FKRP-related conditions. ClinVar contains an entry for this variant (Variation ID: 2121454). Invitae Evidence Modeling of protein sequence and biophysical properties (such as structural, functional, and spatial information, amino acid conservation, physicochemical variation, residue mobility, and thermodynamic stability) indicates that this missense variant is expected to disrupt FKRP protein function with a positive predictive value of 80%. In summary, the available evidence is currently insufficient to determine the role of this variant in disease. Therefore, it has been classified as a Variant of Uncertain Significance.